The following is an entry in ClinVar:

NM_032551.5(KISS1R):c.754G>C (p.Glu252Gln)

Gene: KISS1R (KISS1 receptor; plus strand). Cytogenetic location: 19p13.3.
Variant type: single nucleotide variant.
Coding change: c.754G>C on transcript NM_032551.5 (MANE Select); coding-DNA position 754, G replaced by C.
Protein change: p.Glu252Gln; replaces glutamic acid 252 with glutamine.
Molecular consequence: missense variant.
Genome position (GRCh38, 1-based): chr19:920,305, G>C. VCF-style: chr19-920305-G-C. GRCh37 (hg19) VCF-style: chr19-920305-G-C.
Other names: short protein forms E252Q.
Identifiers: ClinVar variation 4988104 (VCV004988104.1).
Genomic context (GRCh38, chr19:920,305, plus strand): 5'-CGGGCCCCAGCCTTTCGTCTAACCACCTTCACGGCACCCCCCCAGGGGCAGGTGCTGGCA[G>C]AGCGCGCAGGCGCCGTGCGGGCCAAGGTCTCGCGGCTGGTGGCGGCCGTGGTCCTGCTCT-3'
Protein context (NP_115940.2, residues 242-262): DSALQGQVLA[Glu252Gln]RAGAVRAKVS

ClinVar aggregate classification (germline): Uncertain significance (1 of 4 stars; one submission).

Conditions:
KISS1R-related disorder. Also called: KISS1R-related condition.

gnomAD v4.1: 6 of 1,571,254 alleles (0.00038%); highest among the groups gnomAD compares: African/African-American, 0.0014%; no homozygotes.

Submission:

PreventionGenetics, part of Exact Sciences
Classification: Uncertain significance for KISS1R-related condition. Last evaluated: 2025-05-19. Review status: criteria provided, single submitter. Criteria: ACMG Guidelines, 2015. Collection method: clinical testing. Allele origin: germline.
Comment: The KISS1R c.754G>C variant is predicted to result in the amino acid substitution p.Glu252Gln. To our knowledge, this variant has not been reported in the literature. This variant is reported in 0.0% of alleles in individuals of African descent in gnomAD. At this time, the clinical significance of this variant is uncertain due to the absence of conclusive functional and genetic evidence.